The following is an entry in ClinVar:

NM_001033855.3(DCLRE1C):c.*12G>A

Gene: DCLRE1C (DNA cross-link repair 1C; minus strand). Cytogenetic location: 10p13.
Variant type: single nucleotide variant.
Coding change: c.*12G>A on transcript NM_001033855.3 (MANE Select); 12 bases downstream of the stop codon, G replaced by A.
Molecular consequence: 3 prime UTR variant. On other transcripts: non-coding transcript variant (3), intron variant (3).
Genome position (GRCh38, 1-based): chr10:14,908,396, C>T on the plus strand (G>A on the coding strand, the complement: DCLRE1C is on the minus strand). VCF-style: chr10-14908396-C-T. GRCh37 (hg19) VCF-style: chr10-14950395-C-T.
Other names: c.*12G>A (NM_001033857.3, NM_001033858.3, NM_001289076.2 and 4 more transcripts); c.1437+309G>A (NM_001350966.2); c.1782+309G>A (NM_001350965.2); c.1422+309G>A (NM_001350967.2).
Identifiers: ClinVar variation 299309 (VCV000299309.9), dbSNP rs369509998, ClinGen allele CA5416333.

ClinVar aggregate classification (germline): Benign/Likely benign. Review status: criteria provided, multiple submitters, no conflicts (2 of 4 stars). 4 submissions from 4 submitters: Benign (1); Likely benign (3). Last evaluated 2026-05-06.

Conditions:
Histiocytic medullary reticulosis. Also called: SEVERE COMBINED IMMUNODEFICIENCY WITH HYPEREOSINOPHILIA; Omenn syndrome. Identifiers: Orphanet 39041, MedGen C2700553, MONDO:0011338, OMIM 603554.

Allele frequency attached by ClinVar (database versions not stated): gnomAD 0.00019; TOPMed 0.00022; ESP Exome Variant Server 0.00023; 1000 Genomes Project 30x 0.00156; ExAC 0.00157; 1000 Genomes Project 0.00180.

Submissions (4):

Women's Health and Genetics/Laboratory Corporation of America, LabCorp
Classification: Benign. Last evaluated: 2026-05-06. Review status: criteria provided, single submitter. Criteria: LabCorp Variant Classification Summary - May 2015. Collection method: clinical testing. Allele origin: germline.
Comment: Variant summary: DCLRE1C c.*12G>A is located in the untranslated mRNA region downstream of the termination codon. The variant allele was found at a frequency of 0.0014 in 250808 control chromosomes, predominantly at a frequency of 0.0087 within the South Asian subpopulation in the gnomAD database. The observed variant frequency within South Asian control individuals in the gnomAD database exceeds the estimated maximal expected allele frequency for disease-causing variants in DCLRE1C. To our knowledge, no occurrence of c.*12G>A in individuals affected with DCLRE1C-related conditions and no experimental evidence demonstrating its impact on protein function have been reported. ClinVar contains an entry for this variant (Variation ID: 299309). Based on the evidence outlined above, the variant was classified as benign.

Blueprint Genetics
Classification: Likely benign. Last evaluated: 2024-10-30. Review status: criteria provided, single submitter. Criteria: ACMG Guidelines, 2015. Collection method: clinical testing. Allele origin: germline.

Illumina Laboratory Services, Illumina
Classification: Likely benign for Histiocytic medullary reticulosis. Last evaluated: 2018-01-12. Review status: criteria provided, single submitter. Criteria: ICSL Variant Classification Criteria 13 December 2019. Collection method: clinical testing. Allele origin: germline.
Comment: This variant was observed in the ICSL laboratory as part of a predisposition screen in an ostensibly healthy population. It had not been previously curated by ICSL or reported in the Human Gene Mutation Database (HGMD: prior to June 1st, 2018), and was therefore a candidate for classification through an automated scoring system. Utilizing variant allele frequency, disease prevalence and penetrance estimates, and inheritance mode, an automated score was calculated to assess if this variant is too frequent to cause the disease. Based on the score and internal cut-off values, a variant classified as likely benign is not then subjected to further curation. The score for this variant resulted in a classification of likely benign for this disease.

Breakthrough Genomics
Classification: Likely benign. Review status: criteria provided, single submitter. Criteria: ACMG Guidelines, 2015. Collection method: not provided. Allele origin: germline. Inheritance: Autosomal recessive inheritance. Affected: yes.